The following is an entry in ClinVar:

NM_144687.4(NLRP12):c.1538del (p.Ile513fs)

Gene: NLRP12 (NLR family pyrin domain containing 12; minus strand). Cytogenetic location: 19q13.42.
Variant type: Deletion.
Coding change: c.1538del on transcript NM_144687.4 (MANE Select); coding-DNA position 1538, one base deleted (T; older notation c.1538delT).
Protein change: p.Ile513fs; shifts the reading frame from isoleucine 513.
Molecular consequence: frameshift variant.
Genome position (GRCh38, 1-based): chr19:53,810,121, A deleted on the plus strand (T on the coding strand, the reverse complement: NLRP12 is on the minus strand). VCF-style (leftmost placement, unchanged base first): chr19-53810120-GA-G. GRCh37 (hg19) VCF-style: chr19-54313374-GA-G.
Other names: c.1538del, p.Ile513fs (NM_001277126.2, NM_001277129.1); short protein forms I513fs.
Identifiers: ClinVar variation 1163634 (VCV001163634.8), dbSNP rs903100692, ClinGen allele CA310068910.

ClinVar aggregate classification (germline): Uncertain significance. Review status: criteria provided, multiple submitters, no conflicts (2 of 4 stars). 2 submissions from 2 submitters: Uncertain significance (2). Last evaluated 2024-08-27.

Conditions:
Familial cold autoinflammatory syndrome 2 (FCAS2). Identifiers: Orphanet 247868, MedGen C2673198, MONDO:0012724, OMIM 611762.

Allele frequency attached by ClinVar (database versions not stated): gnomAD exomes below 0.00001; gnomAD 0.00001; TOPMed 0.00002.

Submissions (2):

Labcorp Genetics (formerly Invitae), Labcorp
Classification: Uncertain significance for Familial cold autoinflammatory syndrome 2. Last evaluated: 2024-08-27. Review status: criteria provided, single submitter. Criteria: Invitae Variant Classification Sherloc (09022015). Collection method: clinical testing. Allele origin: germline.
Comment: This sequence change creates a premature translational stop signal (p.Ile513Thrfs*3) in the NLRP12 gene. It is expected to result in an absent or disrupted protein product. However, the current clinical and genetic evidence is not sufficient to establish whether loss-of-function variants in NLRP12 cause disease. This variant is present in population databases (no rsID available, gnomAD 0.0009%). This variant has not been reported in the literature in individuals affected with NLRP12-related conditions. ClinVar contains an entry for this variant (Variation ID: 1163634). Algorithms developed to predict the effect of sequence changes on RNA splicing suggest that this variant may create or strengthen a splice site. In summary, the available evidence is currently insufficient to determine the role of this variant in disease. Therefore, it has been classified as a Variant of Uncertain Significance.

Mayo Clinic Laboratories, Mayo Clinic
Classification: Uncertain significance. Last evaluated: 2020-12-29. Review status: criteria provided, single submitter. Criteria: ACMG Guidelines, 2015. Collection method: clinical testing. Allele origin: germline. Observed: 1 variant allele.